The following is an entry in ClinVar:

NM_004333.6(BRAF):c.1505_1507dup (p.Val502dup)

Gene: BRAF (B-Raf proto-oncogene, serine/threonine kinase; minus strand). Cytogenetic location: 7q34.
Variant type: Duplication.
Coding change: c.1505_1507dup on transcript NM_004333.6 (MANE Select); coding-DNA positions 1505 to 1507, 3 bases duplicated (TAG; older notation c.1505_1507dupTAG).
Protein change: p.Val502dup; duplicates valine 502.
Molecular consequence: inframe insertion.
Genome position (GRCh38, 1-based): chr7:140,778,001-140,778,003, CTA duplicated on the plus strand (TAG on the coding strand, the reverse complement: BRAF is on the minus strand); duplicating any 3 consecutive bases within chr7:140,778,001-140,778,005 gives the same sequence; the c. name uses the placement nearest the transcript's 3' end. VCF-style (leftmost placement, unchanged base first): chr7-140778000-C-CCTA. GRCh37 (hg19) VCF-style: chr7-140477800-C-CCTA.
Other names: c.1505_1507dupTAG (NM_004333.4); c.1505_1507dup, p.Val502dup (NM_001354609.2, NM_001378468.1, NM_001378474.1); c.1625_1627dup, p.Val542dup (NM_001374244.1, NM_001374258.1); c.1514_1516dup, p.Val505dup (NM_001378467.1); c.1439_1441dup, p.Val480dup (NM_001378469.1); c.1403_1405dup, p.Val468dup (NM_001378470.1); c.1394_1396dup, p.Val465dup (NM_001378471.1); c.1349_1351dup, p.Val450dup (NM_001378472.1, NM_001378473.1); and 1 more.
Identifiers: ClinVar variation 575127 (VCV000575127.8), dbSNP rs1562955153, ClinGen allele CA891843204.

ClinVar aggregate classification (germline): Likely pathogenic (1 of 4 stars; one submission).

Conditions:
RASopathy. Also called: Noonan spectrum disorder; rasopathies. Identifiers: Orphanet 536391, MedGen C5555857, MONDO:0021060.

Submission:

Labcorp Genetics (formerly Invitae), Labcorp
Classification: Likely pathogenic for RASopathy. Last evaluated: 2021-03-29. Review status: criteria provided, single submitter. Criteria: Invitae Variant Classification Sherloc (09022015). Collection method: clinical testing. Allele origin: germline.
Comment: This variant is found in an individual with BRAF-related disease and is absent from both parents, suggesting that it is de novo in the affected individual (Invitae). Experimental studies and prediction algorithms are not available for this variant, and the functional significance of the duplicated amino acid(s) is currently unknown. This variant is not present in population databases (ExAC no frequency) and has not been reported in the literature in individuals with a BRAF-related disease. This sequence change inserts 3 nucleotides in exon 12 of the BRAF mRNA (c.1505_1507dupTAG). This leads to the insertion of 1 amino acid residue(s) in the BRAF protein (p.Val502dup) but otherwise preserves the integrity of the reading frame. In summary, the currently available evidence indicates that the variant is pathogenic, but additional data are needed to prove that conclusively. Therefore, this variant has been classified as Likely Pathogenic.